The following is an entry in ClinVar:

ClinVar aggregate classification (germline): Uncertain significance (1 of 4 stars; one submission).

Allele frequency attached by ClinVar (database versions not stated): ESP Exome Variant Server 0.00015; gnomAD exomes 0.00006; ExAC 0.00007; TOPMed 0.00023.
gnomAD v4.1: 104 of 1,613,988 alleles (0.0064%); highest among the groups gnomAD compares: African/African-American, 0.031%; no homozygotes.

Submission:

Labcorp Genetics (formerly Invitae), Labcorp
Classification: Uncertain significance. Last evaluated: 2022-07-12. Review status: criteria provided, single submitter. Criteria: Invitae Variant Classification Sherloc (09022015). Collection method: clinical testing. Allele origin: germline.
Comment: This sequence change replaces arginine, which is basic and polar, with histidine, which is basic and polar, at codon 55 of the TYRP1 protein (p.Arg55His). This variant is present in population databases (rs139670838, gnomAD 0.06%). This variant has not been reported in the literature in individuals affected with TYRP1-related conditions. ClinVar contains an entry for this variant (Variation ID: 1045070). Algorithms developed to predict the effect of missense changes on protein structure and function (SIFT, PolyPhen-2, Align-GVGD) all suggest that this variant is likely to be tolerated. In summary, the available evidence is currently insufficient to determine the role of this variant in disease. Therefore, it has been classified as a Variant of Uncertain Significance.

NM_000550.3(TYRP1):c.164G>A (p.Arg55His)

Gene: TYRP1 (tyrosinase related protein 1; plus strand). Cytogenetic location: 9p23.
Variant type: single nucleotide variant.
Coding change: c.164G>A on transcript NM_000550.3 (MANE Select); coding-DNA position 164, G replaced by A.
Protein change: p.Arg55His; replaces arginine 55 with histidine.
Molecular consequence: missense variant.
Genome position (GRCh38, 1-based): chr9:12,694,160, G>A. VCF-style: chr9-12694160-G-A. GRCh37 (hg19) VCF-style: chr9-12694160-G-A.
Other names: short protein forms R55H.
Identifiers: ClinVar variation 1045070 (VCV001045070.5), dbSNP rs139670838, ClinGen allele CA4985130.